The following is an entry in ClinVar:

NM_001244008.2(KIF1A):c.368G>T (p.Cys123Phe)

Gene: KIF1A (kinesin family member 1A; minus strand). Cytogenetic location: 2q37.3.
Variant type: single nucleotide variant.
Coding change: c.368G>T on transcript NM_001244008.2 (MANE Select); coding-DNA position 368, G replaced by T.
Protein change: p.Cys123Phe; replaces cysteine 123 with phenylalanine.
Molecular consequence: missense variant.
Genome position (GRCh38, 1-based): chr2:240,787,312, C>A on the plus strand (G>T on the coding strand, the complement: KIF1A is on the minus strand). VCF-style: chr2-240787312-C-A. GRCh37 (hg19) VCF-style: chr2-241726729-C-A.
Other names: c.368G>T, p.Cys123Phe (NM_001320705.2, NM_001330289.2, NM_001330290.2 and 20 more transcripts); short protein forms C123F.
Identifiers: ClinVar variation 1698169 (VCV001698169.2), dbSNP rs2126086858, ClinGen allele CA351309662.
Genomic context (GRCh38, chr2:240,787,312, plus strand): 5'-TCCACGGAGTAGGACATGTTGTCGTTGGTCGTGTCGTTGATCCGAGAGAAGAGGTCCTCG[C>A]AGAGCTGCAGGAATGGGGGGACAGTCAGCCAGGGAGGGCTGGGGCTGCTCCCTGGATCCC-3'
Protein context (NP_001230937.1, residues 113-133): KDQQGIIPQL[Cys123Phe]EDLFSRINDT

ClinVar aggregate classification (germline): Uncertain significance (1 of 4 stars; one submission).

Submission:

GeneDx
Classification: Uncertain significance. Last evaluated: 2022-01-20. Review status: criteria provided, single submitter. Criteria: GeneDx Variant Classification Process June 2021. Collection method: clinical testing. Allele origin: germline. Affected: yes.
Comment: Not observed at significant frequency in large population cohorts (gnomAD); In silico analysis supports that this missense variant has a deleterious effect on protein structure/function; Has not been previously published as pathogenic or benign to our knowledge; This variant is associated with the following publications: (PMID: 26125038, 21820098, 21376300)